The following is an entry in ClinVar:

NM_017654.4(SAMD9):c.2362C>T (p.Arg788Cys)

Gene: SAMD9 (sterile alpha motif domain containing 9; minus strand). Cytogenetic location: 7q21.2.
Variant type: single nucleotide variant.
Coding change: c.2362C>T on transcript NM_017654.4 (MANE Select); coding-DNA position 2362, C replaced by T.
Protein change: p.Arg788Cys; replaces arginine 788 with cysteine.
Molecular consequence: missense variant.
Genome position (GRCh38, 1-based): chr7:93,103,736, G>A on the plus strand (C>T on the coding strand, the complement: SAMD9 is on the minus strand). VCF-style: chr7-93103736-G-A. GRCh37 (hg19) VCF-style: chr7-92733049-G-A.
Other names: c.2362C>T, p.Arg788Cys (NM_001193307.2); short protein forms R788C.
Identifiers: ClinVar variation 2975169 (VCV002975169.3), dbSNP rs1410007797, ClinGen allele CA368191066.

ClinVar aggregate classification (germline): Uncertain significance (1 of 4 stars; one submission).

Allele frequency attached by ClinVar (database versions not stated): gnomAD exomes below 0.00001; TOPMed below 0.00001; gnomAD 0.00001.
gnomAD v4.1: 3 of 1,613,688 alleles (0.00019%); highest among the groups gnomAD compares: African/African-American, 0.0027%; no homozygotes.

Submission:

Labcorp Genetics (formerly Invitae), Labcorp
Classification: Uncertain significance. Last evaluated: 2023-12-13. Review status: criteria provided, single submitter. Criteria: Invitae Variant Classification Sherloc (09022015). Collection method: clinical testing. Allele origin: germline.
Comment: This sequence change replaces arginine, which is basic and polar, with cysteine, which is neutral and slightly polar, at codon 788 of the SAMD9 protein (p.Arg788Cys). This variant is present in population databases (no rsID available, gnomAD 0.007%). This variant has not been reported in the literature in individuals affected with SAMD9-related conditions. Advanced modeling of protein sequence and biophysical properties (such as structural, functional, and spatial information, amino acid conservation, physicochemical variation, residue mobility, and thermodynamic stability) performed at Invitae indicates that this missense variant is not expected to disrupt SAMD9 protein function with a negative predictive value of 95%. In summary, the available evidence is currently insufficient to determine the role of this variant in disease. Therefore, it has been classified as a Variant of Uncertain Significance.